The following is an entry in ClinVar:

NM_001130438.3(SPTAN1):c.1366_1374dup (p.Leu458_Arg459insTrpGluLeu)

Gene: SPTAN1 (spectrin alpha, non-erythrocytic 1; plus strand). Cytogenetic location: 9q34.11.
Variant type: Duplication.
Coding change: c.1366_1374dup on transcript NM_001130438.3 (MANE Select); coding-DNA positions 1366 to 1374, 9 bases duplicated (TGGGAGCTG; older notation c.1366_1374dupTGGGAGCTG).
Protein change: p.Leu458_Arg459insTrpGluLeu.
Molecular consequence: inframe insertion.
Genome position (GRCh38, 1-based): chr9:128,580,964-128,580,972, TGGGAGCTG duplicated; duplicating any 9 consecutive bases within chr9:128,580,957-128,580,972 gives the same sequence; the c. name uses the placement nearest the transcript's 3' end. VCF-style (leftmost placement, unchanged base first): chr9-128580956-T-TGGAGCTGTG. GRCh37 (hg19) VCF-style: chr9-131343235-T-TGGAGCTGTG.
Other names: c.1366_1374dup, p.Leu458_Arg459insTrpGluLeu (NM_001195532.2, NM_001363759.2, NM_001363765.2 and 5 more transcripts); c.1402_1410dup, p.Leu470_Arg471insTrpGluLeu (NM_001375312.2, NM_001375318.1).
Identifiers: ClinVar variation 2574867 (VCV002574867.1), dbSNP rs2541118248, ClinGen allele CA2580617100.

ClinVar aggregate classification (germline): Uncertain significance (1 of 4 stars; one submission).

Submission:

GeneDx
Classification: Uncertain significance. Last evaluated: 2023-02-02. Review status: criteria provided, single submitter. Criteria: GeneDx Variant Classification Process June 2021. Collection method: clinical testing. Allele origin: germline. Affected: yes.
Comment: In-frame insertion of 3 amino acids in a non-repeat region; Not observed at significant frequency in large population cohorts (gnomAD); Has not been previously published as pathogenic or benign to our knowledge